The following is an entry in ClinVar:

NM_000368.5(TSC1):c.3112AGC[4] (p.Ser1042_Ser1043del)

Gene: TSC1 (TSC complex subunit 1; minus strand). Cytogenetic location: 9q34.13.
Variant type: Microsatellite.
Coding change: c.3112AGC[4] on transcript NM_000368.5 (MANE Select); four copies in a row of the 3-base unit AGC starting at c.3112; the reference has six copies in a row; two copies, 6 bases deleted.
Protein change: p.Ser1042_Ser1043del.
Molecular consequence: inframe deletion.
Genome position (GRCh38, 1-based): chr9:132,896,601-132,896,606, GCTGCT deleted on the plus strand (AGCAGC on the coding strand, the reverse complement: TSC1 is on the minus strand); deleting any 6 consecutive bases within chr9:132,896,601-132,896,620 gives the same sequence; the position shown is the placement nearest the transcript's 3' end. VCF-style (leftmost placement, unchanged base first): chr9-132896600-CGCTGCT-C. GRCh37 (hg19) VCF-style: chr9-135771987-CGCTGCT-C.
Other names: c.3109AGC[4], p.Ser1041_Ser1042del (NM_001162426.2); c.2959AGC[4], p.Ser991_Ser992del (NM_001162427.2); c.2749AGC[4], p.Ser921_Ser922del (NM_001362177.2); c.3124_3129delAGCAGC (NM_000368.4).
Identifiers: ClinVar variation 652486 (VCV000652486.12), dbSNP rs2234980, ClinGen allele CA5301754.
Genomic context (GRCh38, chr9:132,896,600, plus strand): 5'-CCCACCGACTGCTGAATGGGCCTGCCCTCTGGTGTGGGGGTTTCTCTGGGGTAGAAAGCT[CGCTGCT>C]GCTGCTGCTGCTGCCTCCACCACCTCTGCTTCCACTACTGCCCCGGGCGCTGCTGGGCCT-3'

ClinVar aggregate classification (germline): Conflicting classifications of pathogenicity. Review status: criteria provided, conflicting classifications (1 of 4 stars). 2 submissions from 2 submitters: Uncertain significance (1); Likely benign (1). Last evaluated 2025-10-08.

Conditions:
Hereditary cancer-predisposing syndrome. Also called: Hereditary Cancer Syndrome; Tumor predisposition; Neoplastic Syndromes, Hereditary; Hereditary neoplastic syndrome. Identifiers: Orphanet 140162, MedGen C0027672, MeSH D009386, MONDO:0015356.
Tuberous sclerosis 1 (TSC1). Identifiers: Orphanet 805, MedGen C1854465, MONDO:0008612, OMIM 191100.

Submissions (2):

Labcorp Genetics (formerly Invitae), Labcorp
Classification: Uncertain significance for Tuberous sclerosis 1. Last evaluated: 2025-10-08. Review status: criteria provided, single submitter. Criteria: Invitae Variant Classification Sherloc (09022015). Collection method: clinical testing. Allele origin: germline.
Comment: This variant, c.3124_3129del, results in the deletion of 2 amino acid(s) of the TSC1 protein (p.Ser1042_Ser1043del), but otherwise preserves the integrity of the reading frame. This variant is present in population databases (rs769722545, gnomAD 0.006%). This variant has not been reported in the literature in individuals affected with TSC1-related conditions. ClinVar contains an entry for this variant (Variation ID: 652486). Experimental studies and prediction algorithms are not available or were not evaluated, and the functional significance of this variant is currently unknown. In summary, the available evidence is currently insufficient to determine the role of this variant in disease. Therefore, it has been classified as a Variant of Uncertain Significance.

Ambry Genetics
Classification: Likely benign for Hereditary cancer-predisposing syndrome. Last evaluated: 2022-12-19. Review status: criteria provided, single submitter. Criteria: Ambry Variant Classification Scheme 2023. Collection method: clinical testing. Allele origin: germline.